The following is an entry in ClinVar:

NM_020928.2(ZSWIM6):c.477GGCCGCAACCTCGGC[1] (p.162TSAAA[1])

Gene: ZSWIM6 (zinc finger SWIM-type containing 6; plus strand). Cytogenetic location: 5q12.1.
Variant type: Microsatellite.
Coding change: c.477GGCCGCAACCTCGGC[1] on transcript NM_020928.2 (MANE Select); one copy of the 15-base unit GGCCGCAACCTCGGC starting at c.477; the reference has two copies in a row; one copy, 15 bases deleted.
Protein change: p.162TSAAA[1].
Molecular consequence: inframe deletion.
Genome position (GRCh38, 1-based): chr5:61,332,764-61,332,778, GGCCGCAACCTCGGC deleted; deleting any 15 consecutive bases within chr5:61,332,748-61,332,778 gives the same sequence; the position shown is the placement nearest the transcript's 3' end. VCF-style (leftmost placement, unchanged base first): chr5-61332747-CCGGCCGCAACCTCGG-C. GRCh37 (hg19) VCF-style: chr5-60628574-CCGGCCGCAACCTCGG-C.
Other names: c.492_506del15 (NM_020928.1).
Identifiers: ClinVar variation 1270610 (VCV001270610.13), dbSNP rs541338051, ClinGen allele CA3278307.

ClinVar aggregate classification (germline): Benign. Review status: criteria provided, multiple submitters, no conflicts (2 of 4 stars). 4 submissions from 4 submitters: Benign (3). 1 of the submissions does not count toward it. Last evaluated 2026-02-02.

Conditions:
ZSWIM6-related disorder. Also called: ZSWIM6-related condition.

Submissions (4):

Labcorp Genetics (formerly Invitae), Labcorp
Classification: Benign. Last evaluated: 2026-02-02. Review status: criteria provided, single submitter. Criteria: Invitae Variant Classification Sherloc (09022015). Collection method: clinical testing. Allele origin: germline.

Blueprint Genetics
Classification: Benign. Last evaluated: 2024-11-26. Review status: criteria provided, single submitter. Criteria: ACMG Guidelines, 2015. Collection method: clinical testing. Allele origin: germline.

GeneDx
Classification: Benign. Last evaluated: 2018-07-09. Review status: criteria provided, single submitter. Criteria: GeneDx Variant Classification Process June 2021. Collection method: clinical testing. Allele origin: germline. Affected: yes.

PreventionGenetics, part of Exact Sciences
Classification: Likely benign for ZSWIM6-related condition. Last evaluated: 2021-09-17. Review status: no assertion criteria provided. Collection method: clinical testing. Allele origin: germline. Not counted in ClinVar's aggregate classification.
Comment: This variant is classified as likely benign based on ACMG/AMP sequence variant interpretation guidelines (Richards et al. 2015 PMID: 25741868, with internal and published modifications).